The following is an entry in ClinVar:

ClinVar aggregate classification (germline): Likely benign. Review status: criteria provided, multiple submitters, no conflicts (2 of 4 stars). 3 submissions from 3 submitters: Likely benign (3). Last evaluated 2025-12-10.

Conditions:
IMPG2-related disorder. Also called: IMPG2-related condition.

Allele frequency attached by ClinVar (database versions not stated): ExAC 0.00001; gnomAD 0.00001; gnomAD exomes 0.00001 and 0.00002; TOPMed 0.00001.
gnomAD v4.1: 35 of 1,610,366 alleles (0.0022%); highest among the groups gnomAD compares: Non-Finnish European, 0.0029%; no homozygotes.

Submissions (3):

Labcorp Genetics (formerly Invitae), Labcorp
Classification: Likely benign. Last evaluated: 2025-12-10. Review status: criteria provided, single submitter. Criteria: Invitae Variant Classification Sherloc (09022015). Collection method: clinical testing. Allele origin: germline.

PreventionGenetics, part of Exact Sciences
Classification: Likely benign for IMPG2-related condition. Last evaluated: 2025-10-05. Review status: criteria provided, single submitter. Criteria: ACMG Guidelines, 2015. Collection method: clinical testing. Allele origin: germline.
Comment: This variant is classified as likely benign based on ACMG/AMP sequence variant interpretation guidelines (Richards et al. 2015 PMID: 25741868, with internal and published modifications).

Blueprint Genetics
Classification: Likely benign. Last evaluated: 2024-07-23. Review status: criteria provided, single submitter. Criteria: ACMG Guidelines, 2015. Collection method: clinical testing. Allele origin: germline.

NM_016247.4(IMPG2):c.1230A>T (p.Ser410=)

Gene: IMPG2 (interphotoreceptor matrix proteoglycan 2; minus strand). Cytogenetic location: 3q12.3.
Variant type: single nucleotide variant.
Coding change: c.1230A>T on transcript NM_016247.4 (MANE Select); coding-DNA position 1230, A replaced by T.
Protein change: p.Ser410=; no amino-acid change (serine 410 retained).
Molecular consequence: synonymous variant.
Genome position (GRCh38, 1-based): chr3:101,253,705, T>A on the plus strand (A>T on the coding strand, the complement: IMPG2 is on the minus strand). VCF-style: chr3-101253705-T-A. GRCh37 (hg19) VCF-style: chr3-100972549-T-A.
Identifiers: ClinVar variation 761694 (VCV000761694.10), dbSNP rs752864788, ClinGen allele CA2519242.
Genomic context (GRCh38, chr3:101,253,705, plus strand): 5'-AAAGAAGAGAAGCTTGAGGGCCTGGTTCTAGCATAAAACATAAAAACATACCAGAATAGA[T>A]GACGGCGTTGCCTGAAGACTTGAACTTTGGGTGTTCCAAACTAGATCTTCAGTTTGGTGA-3'
Protein context (NP_057331.2, residues 400-420): TQSSSLQATP[Ser410=]SILDNTFQAA